The following is an entry in ClinVar:

NM_001365276.2(TNXB):c.2780-1293T>C

Gene: TNXB (tenascin XB; minus strand). Cytogenetic location: 6p21.33.
Variant type: single nucleotide variant.
Coding change: c.2780-1293T>C on transcript NM_001365276.2 (MANE Select); 1293 bases into the intron before coding-DNA position 2780, T replaced by C.
Molecular consequence: intron variant. On other transcripts: synonymous variant (1).
Genome position (GRCh38, 1-based): chr6:32,087,411, A>G on the plus strand (T>C on the coding strand, the complement: TNXB is on the minus strand). VCF-style: chr6-32087411-A-G. GRCh37 (hg19) VCF-style: chr6-32055188-A-G.
Other names: c.3360T>C, p.Pro1120= (NM_001428335.1); c.2780-1293T>C (NM_019105.8).
Identifiers: ClinVar variation 4681811 (VCV004681811.5).
Genomic context (GRCh38, chr6:32,087,411, plus strand): 5'-GACGGTGCGCGTGGTGCCCGGCACAGTCAGCTCACCGCCGGGGCCCTCTGCAGGCGGCTG[A>G]GGCCGCCAGCGCAGCACCACGCGCTCGAACTGGCCGCGGAGCCCGTCGAGAGACACGAGA-3'

ClinVar aggregate classification (germline): Likely benign (1 of 4 stars; one submission).

Submission:

CeGaT Center for Human Genetics Tuebingen
Classification: Likely benign. Last evaluated: 2025-11-01. Review status: criteria provided, single submitter. Criteria: CeGaT Center For Human Genetics Tuebingen Variant Classification Criteria Version 2. Collection method: clinical testing. Allele origin: germline. Affected: yes. Observed: 1 variant allele.
Comment: TNXB: PM2:Supporting, BP4, BP7